The following is an entry in ClinVar:

ClinVar aggregate classification (germline): Benign/Likely benign. Review status: criteria provided, multiple submitters, no conflicts (2 of 4 stars). 3 submissions from 3 submitters: Benign (1); Likely benign (2). Last evaluated 2025-04-24.

Conditions:
Hereditary cancer-predisposing syndrome. Also called: Neoplastic Syndromes, Hereditary; Tumor predisposition; Hereditary neoplastic syndrome; Hereditary Cancer Syndrome. Identifiers: Orphanet 140162, MedGen C0027672, MeSH D009386, MONDO:0015356.
Familial adenomatous polyposis 1 (FAP1). Also called: POLYPOSIS, ADENOMATOUS INTESTINAL; FAMILIAL ADENOMATOUS POLYPOSIS 1, ATTENUATED. Identifiers: MedGen C2713442, MONDO:0021056, OMIM 175100. Disease mechanism: loss of function.

Allele frequency attached by ClinVar (database versions not stated): gnomAD exomes below 0.00001; TOPMed below 0.00001.
gnomAD v4.1: 1 of 1,614,174 alleles (0.000062%); highest among the groups gnomAD compares: African/African-American, 0.0013%; no homozygotes.

Submissions (3):

Labcorp Genetics (formerly Invitae), Labcorp
Classification: Likely benign for Familial adenomatous polyposis 1. Last evaluated: 2025-04-24. Review status: criteria provided, single submitter. Criteria: Invitae Variant Classification Sherloc (09022015). Collection method: clinical testing. Allele origin: germline.

Myriad Genetics, Inc.
Classification: Benign for Familial adenomatous polyposis 1. Last evaluated: 2024-03-27. Review status: criteria provided, single submitter. Criteria: Myriad Autosomal Dominant, Autosomal Recessive and X-Linked Classification Criteria (2023). Collection method: clinical testing. Allele origin: unknown.
Comment: This variant is considered benign. This variant is a silent/synonymous amino acid change and it is not expected to impact splicing.

Ambry Genetics
Classification: Likely benign for Hereditary cancer-predisposing syndrome. Last evaluated: 2019-08-15. Review status: criteria provided, single submitter. Criteria: Ambry Variant Classification Scheme 2023. Collection method: clinical testing. Allele origin: germline.

NM_000038.6(APC):c.4689A>C (p.Leu1563=)

Gene: APC (APC regulator of Wnt signaling pathway; plus strand). Cytogenetic location: 5q22.2.
Variant type: single nucleotide variant.
Coding change: c.4689A>C on transcript NM_000038.6 (MANE Select); coding-DNA position 4689, A replaced by C.
Protein change: p.Leu1563=; no amino-acid change (leucine 1563 retained).
Molecular consequence: synonymous variant.
Genome position (GRCh38, 1-based): chr5:112,840,283, A>C. VCF-style: chr5-112840283-A-C. GRCh37 (hg19) VCF-style: chr5-112175980-A-C.
Other names: c.4689A>C, p.Leu1563= (NM_001127510.3, NM_001354895.2); c.4635A>C, p.Leu1545= (NM_001127511.3); c.4743A>C, p.Leu1581= (NM_001354896.2); c.4719A>C, p.Leu1573= (NM_001354897.2); c.4614A>C, p.Leu1538= (NM_001354898.2); c.4605A>C, p.Leu1535= (NM_001354899.2); c.4566A>C, p.Leu1522= (NM_001354900.2); c.4512A>C, p.Leu1504= (NM_001354901.2); and 5 more.
Identifiers: ClinVar variation 825097 (VCV000825097.5), dbSNP rs1440495350, ClinGen allele CA446206675.